The following is an entry in ClinVar:

ClinVar aggregate classification (germline): Conflicting classifications of pathogenicity. Review status: criteria provided, conflicting classifications (1 of 4 stars). 12 submissions from 11 submitters: Likely pathogenic (2); Uncertain significance (10). Last evaluated 2026-03-04.

Conditions:
ACTC1-related disorder. Also called: ACTC1-related condition.
Cardiovascular phenotype. Identifiers: MedGen CN230736.
Hypertrophic cardiomyopathy 11. Also called: ACTC1-Related Familial Hypertrophic Cardiomyopathy. Identifiers: MedGen C2677506, MONDO:0012799, OMIM 612098.
Dilated cardiomyopathy 1R (CMD1R). Identifiers: Orphanet 154, Orphanet 54260, MedGen C3150681, MONDO:0013261, OMIM 613424.
Atrial septal defect 5 (ASD5). Identifiers: Orphanet 1478, MedGen C2748552, MONDO:0013011, OMIM 612794.
Cardiomyopathy (CMYO). Also called: Cardiomyopathies. Identifiers: Orphanet 167848, MedGen C0878544, MONDO:0004994, HP:0001638. Inheritance: Various modes of inheritance.
Hypertrophic cardiomyopathy. Also called: HYPERTROPHIC MYOCARDIOPATHY. Identifiers: Orphanet 217569, MedGen C0007194, MeSH D002312, MONDO:0005045, HP:0001639.

Allele frequency attached by ClinVar (database versions not stated): TOPMed 0.00002; ExAC 0.00003; gnomAD 0.00003 and 0.00004; gnomAD exomes 0.00003 and 0.00004.
gnomAD v4.1: 61 of 1,613,586 alleles (0.0038%); highest among the groups gnomAD compares: Admixed American, 0.0067%; no homozygotes.

Submissions (12):

PreventionGenetics, part of Exact Sciences
Classification: Uncertain significance for ACTC1-related condition. Last evaluated: 2026-03-04. Review status: criteria provided, single submitter. Criteria: ACMG Guidelines, 2015. Collection method: clinical testing. Allele origin: germline.
Comment: The ACTC1 c.28C>A variant is predicted to result in the amino acid substitution p.Leu10Met. This variant has been reported in the heterozygous state in multiple individuals with hypertrophic cardiomyopathy, ventricular fibrillation, and cardiac arrest (see for examples, Kindel et al. 2012. PubMed ID: 22555271; Table S1, Walsh et al. 2016. PubMed ID: 27532257; Sanford et al. 2019. PubMed ID: 31246743; Table S2, Bonaventura et al. 2024. PubMed ID: 38757491). This variant has also been reported with a MYBPC3 loss-of-function variant in an individual with hypertrophic cardiomyopathy (Alejandra Restrepo-Cordoba et al. 2017. PubMed ID: 28138913). This variant is reported in 0.0085% of alleles in individuals of Latino descent in gnomAD and has conflicting interpretations regarding its pathogenicity in ClinVar, ranging from uncertain to likely pathogenic (Variation ID: 50936). Although we suspect that this variant may be pathogenic, at this time, the clinical significance of this variant is uncertain due to the absence of conclusive functional and genetic evidence.

Labcorp Genetics (formerly Invitae), Labcorp
Classification: Likely pathogenic for Dilated cardiomyopathy 1R; Hypertrophic cardiomyopathy 11; Atrial septal defect 5. Last evaluated: 2025-12-23. Review status: criteria provided, single submitter. Criteria: Invitae Variant Classification Sherloc (09022015). Collection method: clinical testing. Allele origin: germline.
Comment: This sequence change replaces leucine, which is neutral and non-polar, with methionine, which is neutral and non-polar, at codon 10 of the ACTC1 protein (p.Leu10Met). This variant is present in population databases (rs397517057, gnomAD 0.009%). This missense change has been observed in individuals with clinical features of hypertrophic cardiomyopathy (PMID: 22555271, 27532257, 31019026, 37652022; internal data). ClinVar contains an entry for this variant (Variation ID: 50936). Invitae Evidence Modeling of protein sequence and biophysical properties (such as structural, functional, and spatial information, amino acid conservation, physicochemical variation, residue mobility, and thermodynamic stability) indicates that this missense variant is not expected to disrupt ACTC1 protein function with a negative predictive value of 80%. In summary, the currently available evidence indicates that the variant is pathogenic, but additional data are needed to prove that conclusively. Therefore, this variant has been classified as Likely Pathogenic.

Ambry Genetics
Classification: Uncertain significance for Cardiovascular phenotype. Last evaluated: 2024-12-18. Review status: criteria provided, single submitter. Criteria: Ambry Variant Classification Scheme 2023. Collection method: clinical testing. Allele origin: germline.

All of Us Research Program, National Institutes of Health
Classification: Uncertain significance for Hypertrophic cardiomyopathy. Last evaluated: 2024-07-10. Review status: criteria provided, single submitter. Criteria: ACMG Guidelines, 2015. Collection method: clinical testing. Allele origin: germline. Inheritance: Autosomal dominant inheritance. Observed: 11 variant alleles, 11 heterozygotes.
Comment: This missense variant replaces leucine with methionine at codon 10 of the ACTC1 protein. Computational prediction suggests that this variant may have a deleterious impact on protein structure and function (internally defined REVEL score threshold >= 0.7, PMID: 27666373). To our knowledge, functional studies have not been reported for this variant. This variant has been reported in individuals affected with hypertrophic cardiomyopathy (PMID: 22555271, 23054336, 27532257, 28138913, 35026164; communication with an external laboratory; ClinVar SCV000676951.5). In one case, this variant was reported in an individual affected with hypertrophic cardiomyopathy and poor clinical course who also carried a pathogenic splice variant in the MYBPC3 gene (PMID: 28138913). This variant has also been reported in a young individual affected with ventricular fibrillation and cardiac arrest (PMID: 31246743). This variant has been identified in 9/282084 chromosomes in the general population by the Genome Aggregation Database (gnomAD). The available evidence is insufficient to determine the role of this variant in disease conclusively. Therefore, this variant is classified as a Variant of Uncertain Significance.

This study involves interpretation of variants in research participants for the purpose of population health screening. Participant phenotype was not available at the time of variant classification. Additional details can be found in publication PMID: 35346344, PMCID: PMC8962531

Color Diagnostics, LLC DBA Color Health
Classification: Uncertain significance for Cardiomyopathy. Last evaluated: 2024-06-20. Review status: criteria provided, single submitter. Criteria: ACMG Guidelines, 2015. Collection method: clinical testing. Allele origin: germline.
Comment: This missense variant replaces leucine with methionine at codon 10 of the ACTC1 protein. Computational prediction tools indicate that this variant has a deleterious impact on protein structure and function. To our knowledge, functional studies have not been reported for this variant. This variant has been reported in individuals affected with hypertrophic cardiomyopathy (PMID: 22555271, 23054336, 27532257, 28138913, 35026164, 38757491; communication with an external laboratory; ClinVar SCV000676951.5). In one case, this variant was reported in an individual affected with hypertrophic cardiomyopathy and poor clinical course who also carried a pathogenic splice variant in the MYBPC3 gene (PMID: 28138913). This variant has also been reported in a young individual affected with ventricular fibrillation and cardiac arrest (PMID: 31246743). This variant has been identified in 9/282084 chromosomes in the general population by the Genome Aggregation Database (gnomAD). The available evidence is insufficient to determine the role of this variant in disease conclusively. Therefore, this variant is classified as a Variant of Uncertain Significance.

Blueprint Genetics
Classification: Uncertain significance. Last evaluated: 2024-03-16. Review status: criteria provided, single submitter. Criteria: ACMG Guidelines, 2015. Collection method: clinical testing. Allele origin: germline.

GeneDx
Classification: Uncertain significance. Last evaluated: 2023-09-13. Review status: criteria provided, single submitter. Criteria: GeneDx Variant Classification Process June 2021. Collection method: clinical testing. Allele origin: germline. Affected: yes.
Comment: Reported in individuals in association with HCM and cardiomyopathy with ventricular arrhythmia (Kindel et al., 2012; Miller et al., 2013; Walsh et al., 2017; Alejandra Restrepo-Cordoba et al., 2017; Clark et al., 2019); however, no segregation studies were described and one individual with HCM also harbored a splice variant in the MYBPC3 gene; In silico analysis supports that this missense variant does not alter protein structure/function; This variant is associated with the following publications: (PMID: 27532257, 23054336, 22555271, 28138913, 31019026)

CHEO Genetics Diagnostic Laboratory, Children's Hospital of Eastern Ontario
Classification: Uncertain significance for Cardiomyopathy. Last evaluated: 2019-11-20. Review status: criteria provided, single submitter. Criteria: ACMG Guidelines, 2015. Collection method: clinical testing. Allele origin: germline.

Laboratory for Molecular Medicine, Mass General Brigham Personalized Medicine
Classification: Uncertain significance. Last evaluated: 2019-06-28. Review status: criteria provided, single submitter. Criteria: LMM Criteria. Collection method: clinical testing. Allele origin: germline. Observed: 4 variant alleles.
Comment: The p.Leu10Met variant in ACTC1 has been identified in 3 individuals with HCM (Kindel 2012, Miller 2013, Alejandra 2017, LMM data) and has been identified in 9/282084 chromosomes by gnomAD. It has also been reported in ClinVar (Variation ID #50936). Computational prediction tools and conservation analysis do not provide strong evidence for or against an impact to the protien. In summary, the clinical significance of the p.Leu10Met variant is uncertain. ACMG/AMP Criteria applied: PS4_Supporting.

Rady Children's Institute for Genomic Medicine, Rady Children's Hospital San Diego
Classification: Likely pathogenic for CARDIOMYOPATHY, FAMILIAL HYPERTROPHIC, 11. Last evaluated: 2018-06-08. Review status: criteria provided, single submitter. Criteria: ACMG Guidelines, 2015. Collection method: clinical testing. Allele origin: germline. Affected: yes. Observed: 1 variant allele.
Comment: This variant has been detected and reported in at least four individuals with hypertrophic cardiomyopathy in the literature (PMID: 22555271, 27532257, 28138913) including an individual with pediatric onset disease (PMID: 22555271). It is present in the heterozygous state in the gnomAD population database at a frequency of 0.003% (8/245,538) and thus is presumed to be rare. The c.28C>A (p.Leu10Met) variant affects a highly conserved amino acid (up to Baker's yeast, considering 12 species) and is predicted by multiple in silico tools to have a deleterious effect on protein function. Based on the available evidence, the c.28C>A (p.Leu10Met) variant is classified as likely pathogenic.

Illumina Laboratory Services, Illumina
Classification: Uncertain significance for Dilated cardiomyopathy 1R. Last evaluated: 2018-01-12. Review status: criteria provided, single submitter. Criteria: ICSL Variant Classification Criteria 13 December 2019. Collection method: clinical testing. Allele origin: germline.

Illumina Laboratory Services, Illumina
Classification: Uncertain significance for Hypertrophic cardiomyopathy 11. Last evaluated: 2018-01-12. Review status: criteria provided, single submitter. Criteria: ICSL Variant Classification Criteria 13 December 2019. Collection method: clinical testing. Allele origin: germline.

Literature cited by the submitters: PubMed 22555271 (cited by 4 submitters); PubMed 27532257 (cited by 4 submitters); PubMed 31019026 (cited by Labcorp Genetics (formerly Invitae), Labcorp); PubMed 37652022 (cited by Labcorp Genetics (formerly Invitae), Labcorp); PubMed 23054336 (cited by 3 submitters); PubMed 28138913 (cited by 3 submitters); PubMed 31246743 (cited by All of Us Research Program, National Institutes of Health and Color Diagnostics, LLC DBA Color Health); PubMed 35026164 (cited by All of Us Research Program, National Institutes of Health and Color Diagnostics, LLC DBA Color Health); PubMed 38757491 (cited by Color Diagnostics, LLC DBA Color Health).

NM_005159.5(ACTC1):c.28C>A (p.Leu10Met)

Genes: ACTC1 (actin alpha cardiac muscle 1; minus strand), GJD2-DT (GJD2 divergent transcript; plus strand). Cytogenetic location: 15q14.
Variant type: single nucleotide variant.
Coding change: c.28C>A on transcript NM_005159.5 (MANE Select); coding-DNA position 28, C replaced by A.
Protein change: p.Leu10Met; replaces leucine 10 with methionine.
Molecular consequence: missense variant.
Genome position (GRCh38, 1-based): chr15:34,794,781, G>T on the plus strand (C>A on the coding strand, the complement: ACTC1 is on the minus strand). VCF-style: chr15-34794781-G-T. GRCh37 (hg19) VCF-style: chr15-35086982-G-T.
Other names: p.L10M:CTG>ATG; short protein forms L10M.
Identifiers: ClinVar variation 50936 (VCV000050936.36), dbSNP rs397517057, ClinGen allele CA019732.